The following is an entry in ClinVar:

ClinVar aggregate classification (germline): Benign (0 of 4 stars; one submission).

Conditions:
ARMC2-related disorder. Also called: ARMC2-related condition.

Allele frequency attached by ClinVar (database versions not stated): ESP Exome Variant Server 0.01522; TOPMed 0.03122; gnomAD 0.03227; gnomAD exomes 0.03358; ExAC 0.05756; 1000 Genomes Project 30x 0.07886; 1000 Genomes Project 0.08127.

Submission:

PreventionGenetics, part of Exact Sciences
Classification: Benign for ARMC2-related condition. Last evaluated: 2019-11-11. Review status: no assertion criteria provided. Collection method: clinical testing. Allele origin: germline.
Comment: This variant is classified as benign based on ACMG/AMP sequence variant interpretation guidelines (Richards et al. 2015 PMID: 25741868, with internal and published modifications).

NM_032131.6(ARMC2):c.497T>C (p.Met166Thr)

Gene: ARMC2 (armadillo repeat containing 2; plus strand). Cytogenetic location: 6q21.
Variant type: single nucleotide variant.
Coding change: c.497T>C on transcript NM_032131.6 (MANE Select); coding-DNA position 497, T replaced by C.
Protein change: p.Met166Thr; replaces methionine 166 with threonine.
Molecular consequence: missense variant. On other transcripts: initiator codon variant (1).
Genome position (GRCh38, 1-based): chr6:108,876,176, T>C. VCF-style: chr6-108876176-T-C. GRCh37 (hg19) VCF-style: chr6-109197379-T-C.
Other names: c.2T>C, p.Met1Thr (NM_001286609.2); short protein forms M166T, M1T.
Identifiers: ClinVar variation 3057122 (VCV003057122.2), dbSNP rs9386758, ClinGen allele CA3949650.